The following is an entry in ClinVar:

ClinVar aggregate classification (germline): Uncertain significance (1 of 4 stars; one submission).

Submission:

Labcorp Genetics (formerly Invitae), Labcorp
Classification: Uncertain significance. Last evaluated: 2024-06-20. Review status: criteria provided, single submitter. Criteria: Invitae Variant Classification Sherloc (09022015). Collection method: clinical testing. Allele origin: germline.
Comment: This sequence change affects a splice site in intron 11 of the POLR1A gene. It is expected to disrupt RNA splicing. Variants that disrupt the donor or acceptor splice site typically lead to a loss of protein function (PMID: 16199547), however the current clinical and genetic evidence is not sufficient to establish whether loss-of-function variants in POLR1A cause disease. The frequency data for this variant in the population databases is considered unreliable, as metrics indicate poor data quality at this position in the gnomAD database. This variant has not been reported in the literature in individuals affected with POLR1A-related conditions. In summary, the available evidence is currently insufficient to determine the role of this variant in disease. Therefore, it has been classified as a Variant of Uncertain Significance.

Literature cited by the submitters: PubMed 16199547.

NM_015425.6(POLR1A):c.1380+1_1380+15del

Gene: POLR1A (RNA polymerase I subunit A; minus strand). Cytogenetic location: 2p11.2.
Variant type: Deletion.
Coding change: c.1380+1_1380+15del on transcript NM_015425.6 (MANE Select); the canonical splice donor site of the intron after coding-DNA position 1380 through 15 bases into the intron after coding-DNA position 1380, 15 bases deleted (GTGTGTGTGTGTGTG).
Molecular consequence: splice donor variant.
Genome position (GRCh38, 1-based): chr2:86,077,844-86,077,858, CACACACACACACAC deleted on the plus strand (GTGTGTGTGTGTGTG on the coding strand, the reverse complement: POLR1A is on the minus strand); deleting any 15 consecutive bases within chr2:86,077,844-86,077,860 gives the same sequence; the c. name uses the placement nearest the transcript's 3' end. VCF-style (leftmost placement, unchanged base first): chr2-86077843-ACACACACACACACAC-A. GRCh37 (hg19) VCF-style: chr2-86304966-ACACACACACACACAC-A.
Identifiers: ClinVar variation 3656483 (VCV003656483.2).